The following is an entry in ClinVar:

ClinVar aggregate classification (germline): Pathogenic (1 of 4 stars; one submission).

Conditions:
Inborn errors of metabolism. Also called: Inborn error of metabolism. Identifiers: Orphanet 68367, MedGen C0025521, MONDO:0019052.

Submission:

North West Genomic Laboratory Hub, Manchester University NHS Foundation Trust
Classification: Pathogenic for Inborn error of metabolism. Last evaluated: 2026-07-28. Review status: criteria provided, single submitter. Criteria: ACGS Best Practice Guidelines for Variant Classification in Rare Disease 2024. Collection method: clinical testing. Allele origin: germline. Affected: yes.
Comment: PM3_Supp PM2_Mod PVS1_VStr

NM_001876.4(CPT1A):c.1327_1328del (p.Leu443fs)

Genes: CPT1A (carnitine palmitoyltransferase 1A; minus strand), LOC126861244 (BRD4-independent group 4 enhancer GRCh37_chr11:68549035-68550234; plus strand). Cytogenetic location: 11q13.3.
Variant type: Microsatellite.
Coding change: c.1327_1328del on transcript NM_001876.4 (MANE Select); coding-DNA positions 1327 to 1328, 2 bases deleted (CT; older notation c.1327_1328delCT).
Protein change: p.Leu443fs; shifts the reading frame from leucine 443.
Molecular consequence: frameshift variant.
Genome position (GRCh38, 1-based): chr11:68,781,795-68,781,796, AG deleted on the plus strand (CT on the coding strand, the reverse complement: CPT1A is on the minus strand); deleting any 2 consecutive bases within chr11:68,781,795-68,781,799 gives the same sequence; the c. name uses the placement nearest the transcript's 3' end. VCF-style (leftmost placement, unchanged base first): chr11-68781794-TAG-T. GRCh37 (hg19) VCF-style: chr11-68549262-TAG-T.
Other names: c.1327_1328del, p.Leu443fs (NM_001031847.3, NM_001440358.1, NM_001440359.1 and 3 more transcripts); c.1219_1220del, p.Leu407fs (NM_001440363.1); c.1141_1142del, p.Leu381fs (NM_001440365.1); short protein forms L381fs, L407fs, L443fs.
Identifiers: ClinVar variation 5038428 (VCV005038428.1).